The following is an entry in ClinVar:

ClinVar aggregate classification (germline): Conflicting classifications of pathogenicity. Review status: criteria provided, conflicting classifications (1 of 4 stars). 4 submissions from 4 submitters: Uncertain significance (1); Likely benign (3). Last evaluated 2025-07-21.

Conditions:
Charcot-Marie-Tooth disease X-linked dominant 6. Also called: CHARCOT-MARIE-TOOTH NEUROPATHY, X-LINKED DOMINANT, 6. Identifiers: Orphanet 352675, MedGen C3806702, MONDO:0010479, OMIM 300905.

Allele frequency attached by ClinVar (database versions not stated): gnomAD exomes 0.00003; ExAC 0.00004; TOPMed 0.00011; gnomAD 0.00013 and 0.00015; ESP Exome Variant Server 0.00019.

Submissions (4):

Women's Health and Genetics/Laboratory Corporation of America, LabCorp
Classification: Likely benign. Last evaluated: 2025-07-21. Review status: criteria provided, single submitter. Criteria: LabCorp Variant Classification Summary - May 2015. Collection method: clinical testing. Allele origin: germline.
Comment: Variant summary: PDK3 c.304C>T (p.Pro102Ser) results in a non-conservative amino acid change in the encoded protein sequence. Algorithms developed to predict the effect of missense changes on protein structure and function are either unavailable or do not agree on the potential impact of this missense change. The variant allele was found at a frequency of 1.6e-05 in 1131921 control chromosomes, predominantly at a frequency of 0.00028 within the African or African-American subpopulation in the gnomAD database, including 5 hemizygotes. The observed variant frequency within African or African-American control individuals in the gnomAD database is approximately 280-fold of the estimated maximal expected allele frequency for a pathogenic variant in PDK3 causing Charcot-Marie-Tooth disease X-linked dominant 6 phenotype (1e-06). To our knowledge, no occurrence of c.304C>T in individuals affected with Charcot-Marie-Tooth disease X-linked dominant 6 and no experimental evidence demonstrating its impact on protein function have been reported. ClinVar contains an entry for this variant (Variation ID: 618265). Based on the evidence outlined above, the variant was classified as likely benign.

Labcorp Genetics (formerly Invitae), Labcorp
Classification: Likely benign for Charcot-Marie-Tooth disease X-linked dominant 6. Last evaluated: 2024-07-30. Review status: criteria provided, single submitter. Criteria: Invitae Variant Classification Sherloc (09022015). Collection method: clinical testing. Allele origin: germline.

Ambry Genetics
Classification: Likely benign. Last evaluated: 2023-12-28. Review status: criteria provided, single submitter. Criteria: Ambry Variant Classification Scheme 2023. Collection method: clinical testing. Allele origin: germline.

ARUP Laboratories, Molecular Genetics and Genomics, ARUP Laboratories
Classification: Uncertain significance. Last evaluated: 2017-11-17. Review status: criteria provided, single submitter. Criteria: ARUP Molecular Germline Variant Investigation Process. Collection method: clinical testing. Allele origin: germline.
Comment: The p.Pro102Ser variant (rs375475050) has not been reported in the medical literature, is not listed in gene-specific variant databases, and is listed in the Genome Aggregation Database (gnomAD) browser with an allele frequency of 0.048% in the African population (identified in 8 out of 16,571 chromosomes; 1 hemizygote). The proline at codon 102 is moderately conserved considering 12 species (Alamut software v2.10.0), and computational analyses predict conflicting effects of this variant on protein structure/function (SIFT: tolerated, PolyPhen2: benign, MutationTaster: disease causing). Therefore, based on the available information, the clinical significance of the p.Pro102Ser variant cannot be determined with certainty.

NM_005391.5(PDK3):c.304C>T (p.Pro102Ser)

Gene: PDK3 (pyruvate dehydrogenase kinase 3; plus strand). Cytogenetic location: Xp22.11.
Variant type: single nucleotide variant.
Coding change: c.304C>T on transcript NM_005391.5 (MANE Select); coding-DNA position 304, C replaced by T.
Protein change: p.Pro102Ser; replaces proline 102 with serine.
Molecular consequence: missense variant.
Genome position (GRCh38, 1-based): chrX:24,498,884, C>T. VCF-style: chrX-24498884-C-T. GRCh37 (hg19) VCF-style: chrX-24517001-C-T.
Other names: c.304C>T, p.Pro102Ser (NM_001142386.3); short protein forms P102S.
Identifiers: ClinVar variation 618265 (VCV000618265.16), dbSNP rs375475050, ClinGen allele CA10372264.